The following is an entry in ClinVar:

NM_002317.7(LOX):c.941G>C (p.Arg314Thr)

Genes: LOX (lysyl oxidase; minus strand), SRFBP1 (serum response factor binding protein 1; plus strand). Cytogenetic location: 5q23.1.
Variant type: single nucleotide variant.
Coding change: c.941G>C on transcript NM_002317.7 (MANE Select); coding-DNA position 941, G replaced by C.
Protein change: p.Arg314Thr; replaces arginine 314 with threonine.
Molecular consequence: missense variant.
Genome position (GRCh38, 1-based): chr5:122,074,107, C>G on the plus strand (G>C on the coding strand, the complement: LOX is on the minus strand). VCF-style: chr5-122074107-C-G. GRCh37 (hg19) VCF-style: chr5-121409802-C-G.
Other names: c.251G>C, p.Arg84Thr (NM_001178102.2); c.50G>C, p.Arg17Thr (NM_001317073.1); c.941G>C (NM_002317.6); short protein forms R84T, R17T, R314T.
Identifiers: ClinVar variation 3291081 (VCV003291081.2).

ClinVar aggregate classification (germline): Uncertain significance. Review status: criteria provided, multiple submitters, no conflicts (2 of 4 stars). 2 submissions from 2 submitters: Uncertain significance (2). Last evaluated 2024-11-04.

Conditions:
Cardiovascular phenotype. Identifiers: MedGen CN230736.

gnomAD v4.1: 1 of 1,613,806 alleles (0.000062%); highest among the groups gnomAD compares: Non-Finnish European, 0.000085%; no homozygotes.

Submissions (2):

GeneDx
Classification: Uncertain significance. Last evaluated: 2024-11-04. Review status: criteria provided, single submitter. Criteria: GeneDx Variant Classification Process June 2021. Collection method: clinical testing. Allele origin: germline. Affected: yes.
Comment: Has not been previously published as pathogenic or benign to our knowledge; Not observed at significant frequency in large population cohorts (gnomAD); In silico analysis supports that this missense variant has a deleterious effect on protein structure/function

Ambry Genetics
Classification: Uncertain significance for Cardiovascular phenotype. Last evaluated: 2024-06-14. Review status: criteria provided, single submitter. Criteria: Ambry Variant Classification Scheme 2023. Collection method: clinical testing. Allele origin: germline.
Comment: The p.R314T variant (also known as c.941G>C), located in coding exon 4 of the LOX gene, results from a G to C substitution at nucleotide position 941. The arginine at codon 314 is replaced by threonine, an amino acid with similar properties. This amino acid position is conserved. In addition, this alteration is predicted to be tolerated by in silico analysis. Based on the available evidence, the clinical significance of this variant remains unclear.